The following is an entry in ClinVar:

NM_004655.4(AXIN2):c.2386A>G (p.Ser796Gly)

Gene: AXIN2 (axin 2; minus strand). Cytogenetic location: 17q24.1.
Variant type: single nucleotide variant.
Coding change: c.2386A>G on transcript NM_004655.4 (MANE Select); coding-DNA position 2386, A replaced by G.
Protein change: p.Ser796Gly; replaces serine 796 with glycine.
Molecular consequence: missense variant.
Genome position (GRCh38, 1-based): chr17:65,533,931, T>C on the plus strand (A>G on the coding strand, the complement: AXIN2 is on the minus strand). VCF-style: chr17-65533931-T-C. GRCh37 (hg19) VCF-style: chr17-63530049-T-C.
Other names: c.2191A>G, p.Ser731Gly (NM_001363813.1); short protein forms S731G, S796G.
Identifiers: ClinVar variation 939210 (VCV000939210.10), dbSNP rs2043865276, ClinGen allele CA400675357.

ClinVar aggregate classification (germline): Uncertain significance. Review status: criteria provided, multiple submitters, no conflicts (2 of 4 stars). 2 submissions from 2 submitters: Uncertain significance (2). Last evaluated 2025-08-11.

Conditions:
Oligodontia-cancer predisposition syndrome. Also called: TOOTH AGENESIS-COLORECTAL CANCER SYNDROME. Identifiers: Orphanet 300576, MedGen C1837750, MONDO:0012075, OMIM 608615. Disease mechanism: loss of function.
Hereditary cancer-predisposing syndrome. Also called: Hereditary neoplastic syndrome; Neoplastic Syndromes, Hereditary; Tumor predisposition; Hereditary Cancer Syndrome. Identifiers: Orphanet 140162, MedGen C0027672, MeSH D009386, MONDO:0015356.

Allele frequency attached by ClinVar (database versions not stated): gnomAD exomes below 0.00001.
gnomAD v4.1: 1 of 1,614,110 alleles (0.000062%); highest among the groups gnomAD compares: Non-Finnish European, 0.000085%; no homozygotes.

Submissions (2):

Labcorp Genetics (formerly Invitae), Labcorp
Classification: Uncertain significance for Oligodontia-cancer predisposition syndrome. Last evaluated: 2025-08-11. Review status: criteria provided, single submitter. Criteria: Invitae Variant Classification Sherloc (09022015). Collection method: clinical testing. Allele origin: germline.
Comment: This sequence change replaces serine, which is neutral and polar, with glycine, which is neutral and non-polar, at codon 796 of the AXIN2 protein (p.Ser796Gly). This variant is not present in population databases (gnomAD no frequency). This variant has not been reported in the literature in individuals affected with AXIN2-related conditions. ClinVar contains an entry for this variant (Variation ID: 939210). Invitae Evidence Modeling of protein sequence and biophysical properties (such as structural, functional, and spatial information, amino acid conservation, physicochemical variation, residue mobility, and thermodynamic stability) indicates that this missense variant is not expected to disrupt AXIN2 protein function with a negative predictive value of 80%. In summary, the available evidence is currently insufficient to determine the role of this variant in disease. Therefore, it has been classified as a Variant of Uncertain Significance.

Ambry Genetics
Classification: Uncertain significance for Hereditary cancer-predisposing syndrome. Last evaluated: 2021-08-18. Review status: criteria provided, single submitter. Criteria: Ambry Variant Classification Scheme 2023. Collection method: clinical testing. Allele origin: germline.
Comment: The p.S796G variant (also known as c.2386A>G), located in coding exon 9 of the AXIN2 gene, results from an A to G substitution at nucleotide position 2386. The serine at codon 796 is replaced by glycine, an amino acid with similar properties. This amino acid position is conserved. In addition, this alteration is predicted to be tolerated by in silico analysis. Since supporting evidence is limited at this time, the clinical significance of this alteration remains unclear.